The following is an entry in ClinVar:

ClinVar aggregate classification (germline): Uncertain significance (1 of 4 stars; one submission).

Submission:

Ambry Genetics
Classification: Uncertain significance. Last evaluated: 2026-04-24. Review status: criteria provided, single submitter. Criteria: Ambry Variant Classification Scheme 2023. Collection method: clinical testing. Allele origin: germline.
Comment: The p.C350Y variant (also known as c.1049G>A), located in coding exon 11 of the KIF1B gene, results from a G to A substitution at nucleotide position 1049. The cysteine at codon 350 is replaced by tyrosine, an amino acid with highly dissimilar properties. This amino acid position is conserved. In addition, this alteration is predicted to be deleterious by in silico analysis. Based on the available evidence, the clinical significance of this variant remains unclear.

NM_001365951.3(KIF1B):c.1067G>A (p.Cys356Tyr)

Gene: KIF1B (kinesin family member 1B; plus strand). Cytogenetic location: 1p36.22.
Variant type: single nucleotide variant.
Coding change: c.1067G>A on transcript NM_001365951.3 (MANE Select); coding-DNA position 1067, G replaced by A.
Protein change: p.Cys356Tyr; replaces cysteine 356 with tyrosine.
Molecular consequence: missense variant.
Genome position (GRCh38, 1-based): chr1:10,278,015, G>A. VCF-style: chr1-10278015-G-A. GRCh37 (hg19) VCF-style: chr1-10338073-G-A.
Other names: c.1067G>A, p.Cys356Tyr (NM_001365952.1); c.1049G>A, p.Cys350Tyr (NM_001365953.1, NM_015074.3, NM_183416.4); short protein forms C350Y, C356Y.
Identifiers: ClinVar variation 4858847 (VCV004858847.1).